The following is an entry in ClinVar:

NM_001267550.2(TTN):c.6509-1G>T

Gene: TTN (titin; minus strand). Cytogenetic location: 2q31.2.
Variant type: single nucleotide variant.
Coding change: c.6509-1G>T on transcript NM_001267550.2 (MANE Select); the canonical splice acceptor site of the intron before coding-DNA position 6509, G replaced by T.
Molecular consequence: splice acceptor variant.
Genome position (GRCh38, 1-based): chr2:178,775,203, C>A on the plus strand (G>T on the coding strand, the complement: TTN is on the minus strand). VCF-style: chr2-178775203-C-A. GRCh37 (hg19) VCF-style: chr2-179639930-C-A.
Other names: c.6371-1G>T (NM_003319.4, NM_133437.4, NM_133432.3); c.6509-1G>T (NM_133378.4, NM_001256850.1, NM_133379.5).
Identifiers: ClinVar variation 2024955 (VCV002024955.4), dbSNP rs2532794126, ClinGen allele CA349682666.
Genomic context (GRCh38, chr2:178,775,203, plus strand): 5'-TGTCTTTTTCCTTAGCAACAACATCTTGTAATTCCTGTGTGAAAGTGATCAATTGCTTGG[C>A]TACAAGAAAAAGGTGGGGGAAAAAGGGGAGAGCACATTATATTAAATTAAATTCTCAACC-3'

ClinVar aggregate classification (germline): Likely pathogenic (1 of 4 stars; one submission).

Conditions:
Autosomal recessive limb-girdle muscular dystrophy type 2J (LGMDR10). Also called: Limb-girdle muscular dystrophy, type 2J; MUSCULAR DYSTROPHY, LIMB-GIRDLE, AUTOSOMAL RECESSIVE 10. Identifiers: Orphanet 140922, MedGen C1837342, MONDO:0012127, OMIM 608807.
Dilated cardiomyopathy 1G (CMD1G). Identifiers: Orphanet 154, MedGen C1858763, MONDO:0011400, OMIM 604145.

Submission:

Labcorp Genetics (formerly Invitae), Labcorp
Classification: Likely pathogenic for Dilated cardiomyopathy 1G; Autosomal recessive limb-girdle muscular dystrophy type 2J. Last evaluated: 2024-10-18. Review status: criteria provided, single submitter. Criteria: Invitae Variant Classification Sherloc (09022015). Collection method: clinical testing. Allele origin: germline.
Comment: This sequence change affects an acceptor splice site in intron 28 of the TTN gene. It is expected to disrupt RNA splicing and likely results in a truncated or disrupted TTN protein. This variant is not present in population databases (gnomAD no frequency). This variant has not been reported in the literature in individuals affected with TTN-related conditions. ClinVar contains an entry for this variant (Variation ID: 2024955). Algorithms developed to predict the effect of sequence changes on RNA splicing suggest that this variant may disrupt the consensus splice site. This variant is located in the I band of TTN (PMID: 25589632). Truncating variants in this region have been reported in individuals affected with autosomal recessive centronuclear myopathy (PMID: 23975875, internal data). Truncating variants in this region have also been identified in individuals affected with autosomal dominant dilated cardiomyopathy and/or cardio-related conditions (PMID: 27869827, 32964742, internal data). In summary, the currently available evidence indicates that the variant is pathogenic, but additional data are needed to prove that conclusively. Therefore, this variant has been classified as Likely Pathogenic.

Literature cited by the submitters: PubMed 25589632; PubMed 23975875; PubMed 27869827; PubMed 32964742.